The following is an entry in ClinVar:

ClinVar aggregate classification (germline): Benign/Likely benign. Review status: criteria provided, multiple submitters, no conflicts (2 of 4 stars). 9 submissions from 9 submitters: Benign (6); Likely benign (3). Last evaluated 2026-02-04.

Conditions:
Hereditary pancreatitis (PCTT). Also called: PRSS1-Related Hereditary Pancreatitis; Hereditary chronic pancreatitis. Identifiers: Orphanet 676, MedGen C0238339, MONDO:0008185, OMIM 167800.

Allele frequency attached by ClinVar (database versions not stated): gnomAD 0.02352 and 0.02525; ESP Exome Variant Server 0.02483; TOPMed 0.02504; 1000 Genomes Project 30x 0.03139; 1000 Genomes Project 0.03295.
gnomAD v4.1: 55,640 of 1,614,106 alleles (3.4%); highest among the groups gnomAD compares: East Asian, 7.6%; 1,205 homozygotes.

Submissions (9):

Labcorp Genetics (formerly Invitae), Labcorp
Classification: Benign for Hereditary pancreatitis. Last evaluated: 2026-02-04. Review status: criteria provided, single submitter. Criteria: Invitae Variant Classification Sherloc (09022015). Collection method: clinical testing. Allele origin: germline.

Blueprint Genetics
Classification: Likely benign. Last evaluated: 2024-11-26. Review status: criteria provided, single submitter. Criteria: ACMG Guidelines, 2015. Collection method: clinical testing. Allele origin: germline.

Mayo Clinic Laboratories, Mayo Clinic
Classification: Benign. Last evaluated: 2023-02-16. Review status: criteria provided, single submitter. Criteria: ACMG Guidelines, 2015. Collection method: clinical testing. Allele origin: germline. Observed: 183 variant alleles.

GeneDx
Classification: Likely benign. Last evaluated: 2021-05-05. Review status: criteria provided, single submitter. Criteria: GeneDx Variant Classification Process June 2021. Collection method: clinical testing. Allele origin: germline. Affected: yes.
Comment: This variant is associated with the following publications: (PMID: 18172691, 23135764)

ARUP Laboratories, Molecular Genetics and Genomics, ARUP Laboratories
Classification: Benign for Hereditary pancreatitis. Last evaluated: 2020-12-31. Review status: criteria provided, single submitter. Criteria: ARUP Molecular Germline Variant Investigation Process 2021. Collection method: clinical testing. Allele origin: germline.

Illumina Laboratory Services, Illumina
Classification: Benign for Hereditary pancreatitis. Last evaluated: 2018-01-13. Review status: criteria provided, single submitter. Criteria: ICSL Variant Classification Criteria 13 December 2019. Collection method: clinical testing. Allele origin: germline.
Comment: This variant was observed in the ICSL laboratory as part of a predisposition screen in an ostensibly healthy population. It had not been previously curated by ICSL or reported in the Human Gene Mutation Database (HGMD: prior to June 1st, 2018), and was therefore a candidate for classification through an automated scoring system. Utilizing variant allele frequency, disease prevalence and penetrance estimates, and inheritance mode, an automated score was calculated to assess if this variant is too frequent to cause the disease. Based on the score and internal cut-off values, a variant classified as benign is not then subjected to further curation. The score for this variant resulted in a classification of benign for this disease.

Ambry Genetics
Classification: Benign for Hereditary pancreatitis. Last evaluated: 2016-01-25. Review status: criteria provided, single submitter. Criteria: Ambry Variant Classification Scheme 2023. Collection method: clinical testing. Allele origin: germline.

Breakthrough Genomics
Classification: Likely benign. Review status: criteria provided, single submitter. Criteria: ACMG Guidelines, 2015. Collection method: not provided. Allele origin: germline. Inheritance: Autosomal dominant inheritance. Affected: yes.

PreventionGenetics, part of Exact Sciences
Classification: Benign. Review status: criteria provided, single submitter. Criteria: ACMG Guidelines, 2015. Collection method: clinical testing. Allele origin: germline.

NM_007272.3(CTRC):c.285C>T (p.Asp95=)

Gene: CTRC (chymotrypsin C; plus strand). Cytogenetic location: 1p36.21.
Variant type: single nucleotide variant.
Coding change: c.285C>T on transcript NM_007272.3 (MANE Select); coding-DNA position 285, C replaced by T.
Protein change: p.Asp95=; no amino-acid change (aspartic acid 95 retained).
Molecular consequence: synonymous variant.
Genome position (GRCh38, 1-based): chr1:15,442,501, C>T. VCF-style: chr1-15442501-C-T. GRCh37 (hg19) VCF-style: chr1-15768997-C-T.
Other names: p.Asp95=.
Identifiers: ClinVar variation 260157 (VCV000260157.31), dbSNP rs41307798, ClinGen allele CA613306.